The following is an entry in ClinVar:

ClinVar aggregate classification (germline): Conflicting classifications of pathogenicity. Review status: criteria provided, conflicting classifications (1 of 4 stars). 6 submissions from 6 submitters: Uncertain significance (5); Likely benign (1). Last evaluated 2025-12-19.

Conditions:
Hereditary nonpolyposis colorectal neoplasms. Identifiers: MedGen C0009405, MeSH D003123.
Hereditary cancer-predisposing syndrome. Also called: Hereditary neoplastic syndrome; Neoplastic Syndromes, Hereditary; Tumor predisposition; Hereditary Cancer Syndrome. Identifiers: Orphanet 140162, MedGen C0027672, MeSH D009386, MONDO:0015356.
Lynch syndrome. Identifiers: Orphanet 144, MedGen C4552100, MONDO:0005835. Disease mechanism: loss of function.
Lynch syndrome 4 (LYNCH4). Also called: Hereditary non-polyposis colorectal cancer, type 4; Colorectal cancer, hereditary nonpolyposis, type 4. Identifiers: Orphanet 144, MedGen C1838333, MONDO:0013699, OMIM 614337. Disease mechanism: loss of function.

Allele frequency attached by ClinVar (database versions not stated): gnomAD exomes 0.00001 and 0.00002; ExAC 0.00005.
gnomAD v4.1: 19 of 1,614,206 alleles (0.0012%); highest among the groups gnomAD compares: Non-Finnish European, 0.0014%; no homozygotes.

Submissions (6):

Color Diagnostics, LLC DBA Color Health
Classification: Uncertain significance for Hereditary cancer-predisposing syndrome. Last evaluated: 2025-12-19. Review status: criteria provided, single submitter. Criteria: ACMG Guidelines, 2015. Collection method: clinical testing. Allele origin: germline.
Comment: This missense variant replaces threonine with proline at codon 458 of the PMS2 protein. Computational prediction suggests that this variant may not impact protein structure and function. To our knowledge, functional studies have not been reported for this variant. This variant has not been reported in individuals affected with PMS2-related disorders in the literature. This variant has been identified in 19/1614206 chromosomes in the general population by the Genome Aggregation Database (gnomAD). The available evidence is insufficient to determine the role of this variant in disease conclusively. Therefore, this variant is classified as a Variant of Uncertain Significance.

Labcorp Genetics (formerly Invitae), Labcorp
Classification: Uncertain significance for Hereditary nonpolyposis colorectal neoplasms. Last evaluated: 2025-12-09. Review status: criteria provided, single submitter. Criteria: Invitae Variant Classification Sherloc (09022015). Collection method: clinical testing. Allele origin: germline.
Comment: This sequence change replaces threonine, which is neutral and polar, with proline, which is neutral and non-polar, at codon 458 of the PMS2 protein (p.Thr458Pro). This variant is present in population databases (rs779306532, gnomAD 0.005%). This variant has not been reported in the literature in individuals affected with PMS2-related conditions. ClinVar contains an entry for this variant (Variation ID: 185006). Invitae Evidence Modeling incorporating data from in vitro experimental studies (internal data) indicates that this missense variant is not expected to disrupt PMS2 function with a negative predictive value of 95%. In summary, the available evidence is currently insufficient to determine the role of this variant in disease. Therefore, it has been classified as a Variant of Uncertain Significance.

Ambry Genetics
Classification: Likely benign for Hereditary cancer-predisposing syndrome. Last evaluated: 2025-05-12. Review status: criteria provided, single submitter. Criteria: Ambry Variant Classification Scheme 2023. Collection method: clinical testing. Allele origin: germline.

All of Us Research Program, National Institutes of Health
Classification: Uncertain significance for Lynch syndrome. Last evaluated: 2023-12-01. Review status: criteria provided, single submitter. Criteria: ACMG Guidelines, 2015. Collection method: clinical testing. Allele origin: germline. Inheritance: Autosomal dominant inheritance. Observed: 2 variant alleles, 2 heterozygotes.
Comment: This missense variant replaces threonine with proline at codon 458 of the PMS2 protein. Computational prediction suggests that this variant may not impact protein structure and function (internally defined REVEL score threshold <= 0.5, PMID: 27666373). To our knowledge, functional studies have not been reported for this variant. This variant has not been reported in individuals affected with PMS2-related disorders in the literature. This variant has been identified in 6/251492 chromosomes in the general population by the Genome Aggregation Database (gnomAD). The available evidence is insufficient to determine the role of this variant in disease conclusively. Therefore, this variant is classified as a Variant of Uncertain Significance.

This study involves interpretation of variants in research participants for the purpose of population health screening. Participant phenotype was not available at the time of variant classification. Additional details can be found in publication PMID: 35346344, PMCID: PMC8962531

St. Jude Molecular Pathology, St. Jude Children's Research Hospital
Classification: Uncertain significance for Lynch syndrome 4. Last evaluated: 2023-03-27. Review status: criteria provided, single submitter. Criteria: St. Jude Assertion Criteria 2020. Collection method: clinical testing. Allele origin: germline.
Comment: The PMS2 c.1372A>C (p.Thr458Pro) missense change has a maximum subpopulation frequency of 0.005% in gnomAD v2.1.1. The in silico tool REVEL predicts a benign effect on protein function, but to our knowledge these predictions have not been confirmed by functional assays. To our knowledge, this variant has not been reported in individuals with Lynch syndrome or constitutional mismatch repair deficiency. In summary, the evidence currently available is insufficient to determine the clinical significance of this variant. It has therefore been classified as of uncertain significance.

GeneDx
Classification: Uncertain significance. Last evaluated: 2021-02-22. Review status: criteria provided, single submitter. Criteria: GeneDx Variant Classification Process June 2021. Collection method: clinical testing. Allele origin: germline. Affected: yes.
Comment: In silico analysis supports that this missense variant does not alter protein structure/function; Has not been previously published as pathogenic or benign to our knowledge

NM_000535.7(PMS2):c.1372A>C (p.Thr458Pro)

Gene: PMS2 (PMS1 homolog 2, mismatch repair system component; minus strand). Cytogenetic location: 7p22.1.
Variant type: single nucleotide variant.
Coding change: c.1372A>C on transcript NM_000535.7 (MANE Select); coding-DNA position 1372, A replaced by C.
Protein change: p.Thr458Pro; replaces threonine 458 with proline.
Molecular consequence: missense variant. On other transcripts: non-coding transcript variant (1).
Genome position (GRCh38, 1-based): chr7:5,987,393, T>G on the plus strand (A>C on the coding strand, the complement: PMS2 is on the minus strand). VCF-style: chr7-5987393-T-G. GRCh37 (hg19) VCF-style: chr7-6027024-T-G.
Other names: c.967A>C, p.Thr323Pro (NM_001322003.2, NM_001322004.2, NM_001322005.2 and 1 more transcripts); c.1216A>C, p.Thr406Pro (NM_001322006.2); c.1054A>C, p.Thr352Pro (NM_001322007.2, NM_001322008.2); c.811A>C, p.Thr271Pro (NM_001322010.2); c.439A>C, p.Thr147Pro (NM_001322011.2, NM_001322012.2); c.799A>C, p.Thr267Pro (NM_001322013.2); c.1372A>C, p.Thr458Pro (NM_001322014.2); c.1063A>C, p.Thr355Pro (NM_001322015.2); short protein forms T458P, T355P, T267P, T323P, T147P, T271P, T352P, T406P.
Identifiers: ClinVar variation 185006 (VCV000185006.25), dbSNP rs779306532, ClinGen allele CA009572.